The following is an entry in ClinVar:

NM_004655.4(AXIN2):c.1998C>G (p.Asn666Lys)

Gene: AXIN2 (axin 2; minus strand). Cytogenetic location: 17q24.1.
Variant type: single nucleotide variant.
Coding change: c.1998C>G on transcript NM_004655.4 (MANE Select); coding-DNA position 1998, C replaced by G.
Protein change: p.Asn666Lys; replaces asparagine 666 with lysine.
Molecular consequence: missense variant.
Genome position (GRCh38, 1-based): chr17:65,536,463, G>C on the plus strand (C>G on the coding strand, the complement: AXIN2 is on the minus strand). VCF-style: chr17-65536463-G-C. GRCh37 (hg19) VCF-style: chr17-63532581-G-C.
Other names: c.1803C>G, p.Asn601Lys (NM_001363813.1); short protein forms N601K, N666K.
Identifiers: ClinVar variation 1721671 (VCV001721671.5), dbSNP rs1460508423, ClinGen allele CA400676182.

ClinVar aggregate classification (germline): Uncertain significance (1 of 4 stars; one submission).

Conditions:
Oligodontia-cancer predisposition syndrome. Also called: TOOTH AGENESIS-COLORECTAL CANCER SYNDROME. Identifiers: Orphanet 300576, MedGen C1837750, MONDO:0012075, OMIM 608615. Disease mechanism: loss of function.

gnomAD v4.1: 1 of 1,613,860 alleles (0.000062%); highest among the groups gnomAD compares: Middle Eastern, 0.016%; no homozygotes.

Submission:

Labcorp Genetics (formerly Invitae), Labcorp
Classification: Uncertain significance for Oligodontia-cancer predisposition syndrome. Last evaluated: 2022-10-15. Review status: criteria provided, single submitter. Criteria: Invitae Variant Classification Sherloc (09022015). Collection method: clinical testing. Allele origin: germline.
Comment: This variant is not present in population databases (gnomAD no frequency). This sequence change replaces asparagine, which is neutral and polar, with lysine, which is basic and polar, at codon 666 of the AXIN2 protein (p.Asn666Lys). In summary, the available evidence is currently insufficient to determine the role of this variant in disease. Therefore, it has been classified as a Variant of Uncertain Significance. Advanced modeling of protein sequence and biophysical properties (such as structural, functional, and spatial information, amino acid conservation, physicochemical variation, residue mobility, and thermodynamic stability) performed at Invitae indicates that this missense variant is not expected to disrupt AXIN2 protein function. This variant has not been reported in the literature in individuals affected with AXIN2-related conditions.